The following is an entry in ClinVar:

ClinVar aggregate classification (germline): Uncertain significance (1 of 4 stars; one submission).

Allele frequency attached by ClinVar (database versions not stated): gnomAD exomes below 0.00001; TOPMed below 0.00001.
gnomAD v4.1: 3 of 1,614,146 alleles (0.00019%); highest among the groups gnomAD compares: Non-Finnish European, 0.00025%; no homozygotes.

Submission:

Greenwood Genetic Center Diagnostic Laboratories, Greenwood Genetic Center
Classification: Uncertain significance. Last evaluated: 2023-04-12. Review status: criteria provided, single submitter. Criteria: ACMG Guidelines, 2015. Collection method: clinical testing. Allele origin: germline. Affected: yes.
Comment: PM2 PP2

NM_021224.6(ZNF462):c.2656T>C (p.Tyr886His)

Gene: ZNF462 (zinc finger protein 462; plus strand). Cytogenetic location: 9q31.2.
Variant type: single nucleotide variant.
Coding change: c.2656T>C on transcript NM_021224.6 (MANE Select); coding-DNA position 2656, T replaced by C.
Protein change: p.Tyr886His; replaces tyrosine 886 with histidine.
Molecular consequence: missense variant.
Genome position (GRCh38, 1-based): chr9:106,926,568, T>C. VCF-style: chr9-106926568-T-C. GRCh37 (hg19) VCF-style: chr9-109688849-T-C.
Other names: c.2656T>C, p.Tyr886His (NM_001347997.2); short protein forms Y886H.
Identifiers: ClinVar variation 2572323 (VCV002572323.1), dbSNP rs1830200986, ClinGen allele CA374392649.
Genomic context (GRCh38, chr9:106,926,568, plus strand): 5'-CACCCATACATTAAATTCAGCTTTAGGTACATCTTGGACCCCAATGATCACAGTGCAGTG[T>C]ACAGGTGCCTGGAATGCTACATCGATTACACCAACTTCGAAGATCTCCAGCAGCATTATG-3'
Protein context (NP_067047.4, residues 876-896): ILDPNDHSAV[Tyr886His]RCLECYIDYT